The following is an entry in ClinVar:

ClinVar aggregate classification (germline): Uncertain significance (1 of 4 stars; one submission).

Conditions:
GNAS-related disorder. Identifiers: MedGen CN380105.

gnomAD v4.1: 1 of 1,612,778 alleles (0.000062%); no homozygotes.

Submission:

PreventionGenetics, part of Exact Sciences
Classification: Uncertain significance for GNAS-related condition. Last evaluated: 2026-08-17. Review status: criteria provided, single submitter. Criteria: ACMG Guidelines, 2015. Collection method: clinical testing. Allele origin: germline.
Comment: The GNAS c.202C>T variant is predicted to result in the amino acid substitution p.His68Tyr. To our knowledge, this variant has not been reported in the literature or in a large population database (gnomAD), indicating this variant is rare. At this time, the clinical significance of this variant is uncertain due to the absence of conclusive functional and genetic evidence.

NM_016592.5(GNAS):c.202C>T (p.His68Tyr)

Genes: GNAS (GNAS complex locus; plus strand), GNAS-AS1 (GNAS antisense RNA 1; minus strand). Cytogenetic location: 20q13.32.
Variant type: single nucleotide variant.
Coding change: c.202C>T on transcript NM_016592.5 (MANE Plus Clinical); coding-DNA position 202, C replaced by T.
Protein change: p.His68Tyr; replaces histidine 68 with tyrosine.
Molecular consequence: missense variant. On other transcripts: 5 prime UTR variant (1).
Genome position (GRCh38, 1-based): chr20:58,840,308, C>T. VCF-style: chr20-58840308-C-T. GRCh37 (hg19) VCF-style: chr20-57415363-C-T.
Other names: c.-536C>T (NM_001410912.1); short protein forms H68Y.
Identifiers: ClinVar variation 4994324 (VCV004994324.1).